The following is an entry in ClinVar:

NM_006206.6(PDGFRA):c.189A>C (p.Glu63Asp)

Gene: PDGFRA (platelet derived growth factor receptor alpha; plus strand). Cytogenetic location: 4q12.
Variant type: single nucleotide variant.
Coding change: c.189A>C on transcript NM_006206.6 (MANE Select); coding-DNA position 189, A replaced by C.
Protein change: p.Glu63Asp; replaces glutamic acid 63 with aspartic acid.
Molecular consequence: missense variant.
Genome position (GRCh38, 1-based): chr4:54,261,234, A>C. VCF-style: chr4-54261234-A-C. GRCh37 (hg19) VCF-style: chr4-55127401-A-C.
Other names: c.189A>C, p.Glu63Asp (NM_001347827.2, NM_001347829.2); c.264A>C, p.Glu88Asp (NM_001347828.2); c.228A>C, p.Glu76Asp (NM_001347830.2); short protein forms E63D, E76D, E88D.
Identifiers: ClinVar variation 3416432 (VCV003416432.3).

ClinVar aggregate classification (germline): Uncertain significance. Review status: criteria provided, multiple submitters, no conflicts (2 of 4 stars). 2 submissions from 2 submitters: Uncertain significance (2). Last evaluated 2024-10-18.

Conditions:
Gastrointestinal stromal tumor. Also called: Gastrointestinal stromal tumor, somatic; Gastrointestinal stroma tumor. Identifiers: Orphanet 44890, MedGen C0238198, MeSH D046152, MONDO:0011719, OMIM 606764, HP:0100723.
Hereditary cancer-predisposing syndrome. Also called: Neoplastic Syndromes, Hereditary; Tumor predisposition; Hereditary Cancer Syndrome; Hereditary neoplastic syndrome. Identifiers: Orphanet 140162, MedGen C0027672, MeSH D009386, MONDO:0015356.

Submissions (2):

Ambry Genetics
Classification: Uncertain significance for Hereditary cancer-predisposing syndrome. Last evaluated: 2024-10-18. Review status: criteria provided, single submitter. Criteria: Ambry Variant Classification Scheme 2023. Collection method: clinical testing. Allele origin: germline.
Comment: The p.E63D variant (also known as c.189A>C), located in coding exon 2 of the PDGFRA gene, results from an A to C substitution at nucleotide position 189. The glutamic acid at codon 63 is replaced by aspartic acid, an amino acid with highly similar properties. This amino acid position is conserved. In addition, this alteration is predicted to be tolerated by in silico analysis. Based on the available evidence, the clinical significance of this variant remains unclear.

Labcorp Genetics (formerly Invitae), Labcorp
Classification: Uncertain significance for Gastrointestinal stromal tumor. Last evaluated: 2024-10-02. Review status: criteria provided, single submitter. Criteria: Invitae Variant Classification Sherloc (09022015). Collection method: clinical testing. Allele origin: germline.
Comment: This sequence change replaces glutamic acid, which is acidic and polar, with aspartic acid, which is acidic and polar, at codon 63 of the PDGFRA protein (p.Glu63Asp). This variant is not present in population databases (gnomAD no frequency). This variant has not been reported in the literature in individuals affected with PDGFRA-related conditions. Invitae Evidence Modeling of protein sequence and biophysical properties (such as structural, functional, and spatial information, amino acid conservation, physicochemical variation, residue mobility, and thermodynamic stability) indicates that this missense variant is not expected to disrupt PDGFRA protein function with a negative predictive value of 80%. In summary, the available evidence is currently insufficient to determine the role of this variant in disease. Therefore, it has been classified as a Variant of Uncertain Significance.